The following is an entry in ClinVar:

ClinVar aggregate classification (germline): Uncertain significance. Review status: criteria provided, multiple submitters, no conflicts (2 of 4 stars). 2 submissions from 2 submitters: Uncertain significance (2). Last evaluated 2026-05-01.

Submissions (2):

CeGaT Center for Human Genetics Tuebingen
Classification: Uncertain significance. Last evaluated: 2026-05-01. Review status: criteria provided, single submitter. Criteria: CeGaT Center For Human Genetics Tuebingen Variant Classification Criteria Version 2. Collection method: clinical testing. Allele origin: germline. Affected: yes. Observed: 1 variant allele.
Comment: MRAS: PP3

Labcorp Genetics (formerly Invitae), Labcorp
Classification: Uncertain significance. Last evaluated: 2025-07-22. Review status: criteria provided, single submitter. Criteria: Invitae Variant Classification Sherloc (09022015). Collection method: clinical testing. Allele origin: germline.
Comment: This sequence change falls in intron 3 of the MRAS gene. It does not directly change the encoded amino acid sequence of the MRAS protein. This variant is present in population databases (rs773578655, gnomAD 0.02%). This variant has not been reported in the literature in individuals affected with MRAS-related conditions. ClinVar contains an entry for this variant (Variation ID: 1356466). In summary, the available evidence is currently insufficient to determine the role of this variant in disease. Therefore, it has been classified as a Variant of Uncertain Significance.

NM_001085049.3(MRAS):c.347+6_347+22dup

Gene: MRAS (muscle RAS oncogene homolog; plus strand). Cytogenetic location: 3q22.3.
Variant type: Duplication.
Coding change: c.347+6_347+22dup on transcript NM_001085049.3 (MANE Select); bases 6 to 22 of the intron after coding-DNA position 347, 17 bases duplicated (CATCAAAGACAGGTGAG).
Molecular consequence: splice donor variant.
Genome position (GRCh38, 1-based): chr3:138,397,483-138,397,499, CATCAAAGACAGGTGAG duplicated; duplicating any 17 consecutive bases within chr3:138,397,468-138,397,499 gives the same sequence; the c. name uses the placement nearest the transcript's 3' end. VCF-style (leftmost placement, unchanged base first): chr3-138397467-G-GTCAAAGACAGGTGAGCA. GRCh37 (hg19) VCF-style: chr3-138116309-G-GTCAAAGACAGGTGAGCA.
Other names: c.347+6_347+22dup (NM_012219.4, NM_001252090.2); c.119+6_119+22dup (NM_001252091.1, NM_001252093.2, NM_001252092.2).
Identifiers: ClinVar variation 1356466 (VCV001356466.10), dbSNP rs773578655, ClinGen allele CA2636982.
Genomic context (GRCh38, chr3:138,397,467, plus strand): 5'-TCCGTCACTGACAAGGCCAGCTTTGAGCACGTGGACCGCTTCCACCAGCTTATCCTGCGC[G>GTCAAAGACAGGTGAGCA]TCAAAGACAGGTGAGCATCAAAGACAGGTGAGAGTACCGGGAAGAGGCCTGCGCCTGCCT-3'